The following is an entry in ClinVar:

ClinVar aggregate classification (germline): Benign. Review status: criteria provided, multiple submitters, no conflicts (2 of 4 stars). 3 submissions from 3 submitters: Benign (3). Last evaluated 2026-02-02.

Conditions:
Wolman disease (WOLD). Also called: Acid cholesteryl ester hydrolase deficiency, Wolman type; Acid lipase disease; Wolman disease, CESD; LYSOSOMAL ACID LIPASE DEFICIENCY, ACUTE INFANTILE; LYSOSOMAL ACID LIPASE DEFICIENCY, COMPLETE; LIPA DEFICIENCY, COMPLETE. Identifiers: Orphanet 75233, MedGen C0043208, MONDO:0019148, OMIM 620151.

Allele frequency attached by ClinVar (database versions not stated): TOPMed 0.37995; gnomAD 0.38008 and 0.37475; 1000 Genomes Project 30x 0.42224; 1000 Genomes Project 0.42492.
gnomAD v4.1: 57,516 of 151,904 alleles (38%); highest among the groups gnomAD compares: South Asian, 53%; 11,201 homozygotes.

Submissions (3):

Labcorp Genetics (formerly Invitae), Labcorp
Classification: Benign for Wolman disease. Last evaluated: 2026-02-02. Review status: criteria provided, single submitter. Criteria: Invitae Variant Classification Sherloc (09022015). Collection method: clinical testing. Allele origin: germline.

GeneDx
Classification: Benign. Last evaluated: 2018-06-19. Review status: criteria provided, single submitter. Criteria: GeneDx Variant Classification (06012015). Collection method: clinical testing. Allele origin: germline. Affected: yes.
Comment: This variant is considered likely benign or benign based on one or more of the following criteria: it is a conservative change, it occurs at a poorly conserved position in the protein, it is predicted to be benign by multiple in silico algorithms, and/or has population frequency not consistent with disease.

Breakthrough Genomics
Classification: Benign. Review status: criteria provided, single submitter. Criteria: ACMG Guidelines, 2015. Collection method: not provided. Allele origin: germline. Inheritance: Autosomal recessive inheritance. Affected: yes.

NM_000235.4(LIPA):c.112-304G>A

Gene: LIPA (lipase A, lysosomal acid type; minus strand). Cytogenetic location: 10q23.31.
Variant type: single nucleotide variant.
Coding change: c.112-304G>A on transcript NM_000235.4 (MANE Select); 304 bases into the intron before coding-DNA position 112, G replaced by A.
Molecular consequence: intron variant.
Genome position (GRCh38, 1-based): chr10:89,246,097, C>T on the plus strand (G>A on the coding strand, the complement: LIPA is on the minus strand). VCF-style: chr10-89246097-C-T. GRCh37 (hg19) VCF-style: chr10-91005854-C-T.
Other names: c.-120+5640G>A (NM_001288979.2); c.112-304G>A (NM_001127605.3).
Identifiers: ClinVar variation 684269 (VCV000684269.11), dbSNP rs2246833, ClinGen allele CA15629615.